The following is an entry in ClinVar:

ClinVar aggregate classification (germline): Uncertain significance (1 of 4 stars; one submission).

Allele frequency attached by ClinVar (database versions not stated): gnomAD exomes below 0.00001; ExAC 0.00003; gnomAD 0.00003.

Submission:

Labcorp Genetics (formerly Invitae), Labcorp
Classification: Uncertain significance. Last evaluated: 2022-10-14. Review status: criteria provided, single submitter. Criteria: Invitae Variant Classification Sherloc (09022015). Collection method: clinical testing. Allele origin: germline.
Comment: In summary, the available evidence is currently insufficient to determine the role of this variant in disease. Therefore, it has been classified as a Variant of Uncertain Significance. Algorithms developed to predict the effect of missense changes on protein structure and function are either unavailable or do not agree on the potential impact of this missense change (SIFT: "Tolerated"; PolyPhen-2: "Probably Damaging"; Align-GVGD: "Class C0"). This variant has not been reported in the literature in individuals affected with PSMB4-related conditions. This variant is present in population databases (rs111502283, gnomAD 0.02%). This sequence change replaces glycine, which is neutral and non-polar, with arginine, which is basic and polar, at codon 15 of the PSMB4 protein (p.Gly15Arg).

NM_002796.3(PSMB4):c.43G>C (p.Gly15Arg)

Gene: PSMB4 (proteasome 20S subunit beta 4; plus strand). Cytogenetic location: 1q21.3.
Variant type: single nucleotide variant.
Coding change: c.43G>C on transcript NM_002796.3 (MANE Select); coding-DNA position 43, G replaced by C.
Protein change: p.Gly15Arg; replaces glycine 15 with arginine.
Molecular consequence: missense variant.
Genome position (GRCh38, 1-based): chr1:151,399,630, G>C. VCF-style: chr1-151399630-G-C. GRCh37 (hg19) VCF-style: chr1-151372106-G-C.
Other names: short protein forms G15R.
Identifiers: ClinVar variation 1895932 (VCV001895932.5), dbSNP rs111502283, ClinGen allele CA1090558.